The following is an entry in ClinVar:

ClinVar aggregate classification (germline): Uncertain significance (1 of 4 stars; one submission).

Submission:

Labcorp Genetics (formerly Invitae), Labcorp
Classification: Uncertain significance. Last evaluated: 2025-04-01. Review status: criteria provided, single submitter. Criteria: Invitae Variant Classification Sherloc (09022015). Collection method: clinical testing. Allele origin: germline.
Comment: This variant, c.99_113dup, results in the insertion of 5 amino acid(s) of the DLX6 protein (p.Gln40_Gln44dup), but otherwise preserves the integrity of the reading frame. This variant is not present in population databases (gnomAD no frequency). This variant has not been reported in the literature in individuals affected with DLX6-related conditions. In summary, the available evidence is currently insufficient to determine the role of this variant in disease. Therefore, it has been classified as a Variant of Uncertain Significance.

NM_005222.4(DLX6):c.99_113dup (p.Gln44_Pro45insGlnGlnGlnGlnGln)

Genes: DLX6 (distal-less homeobox 6; plus strand), DLX6-AS1 (DLX6 antisense RNA 1; minus strand). Cytogenetic location: 7q21.3.
Variant type: Duplication.
Coding change: c.99_113dup on transcript NM_005222.4 (MANE Select); coding-DNA positions 99 to 113, 15 bases duplicated (ACAGCAGCAGCAGCA).
Protein change: p.Gln44_Pro45insGlnGlnGlnGlnGln.
Molecular consequence: inframe insertion.
Genome position (GRCh38, 1-based): chr7:97,006,076-97,006,090, ACAGCAGCAGCAGCA duplicated; duplicating any 15 consecutive bases within chr7:97,006,062-97,006,090 gives the same sequence; the c. name uses the placement nearest the transcript's 3' end. VCF-style (leftmost placement, unchanged base first): chr7-97006061-G-GCAGCAGCAGCAGCAA. GRCh37 (hg19) VCF-style: chr7-96635373-G-GCAGCAGCAGCAGCAA.
Identifiers: ClinVar variation 4706530 (VCV004706530.1).